The following is an entry in ClinVar:

NM_000061.3(BTK):c.1289A>G (p.Lys430Arg)

Gene: BTK (Bruton tyrosine kinase; minus strand). Cytogenetic location: Xq22.1.
Variant type: single nucleotide variant.
Coding change: c.1289A>G on transcript NM_000061.3 (MANE Select); coding-DNA position 1289, A replaced by G.
Protein change: p.Lys430Arg; replaces lysine 430 with arginine.
Molecular consequence: missense variant. On other transcripts: intron variant (1).
Genome position (GRCh38, 1-based): chrX:101,356,844, T>C on the plus strand (A>G on the coding strand, the complement: BTK is on the minus strand). VCF-style: chrX-101356844-T-C. GRCh37 (hg19) VCF-style: chrX-100611832-T-C.
Other names: c.1391A>G, p.Lys464Arg (NM_001287344.2); c.1038+1530A>G (NM_001287345.2); short protein forms K430R, K464R.
Identifiers: ClinVar variation 3901290 (VCV003901290.1).

ClinVar aggregate classification (germline): Likely pathogenic (1 of 4 stars; one submission).

Conditions:
X-linked agammaglobulinemia (XLA). Also called: Agammaglobulinemia, Bruton tyrosine kinase; Agammaglobulinemia, BTK; BTK-deficiency; IMMUNODEFICIENCY 1; Bruton's agammaglobulinemia; AGAMMAGLOBULINEMIA, X-LINKED, TYPE 1. Identifiers: Orphanet 229717, Orphanet 47, MedGen C0221026, MONDO:0010421, OMIM 300755.

Submission:

Clinical Immunology, Karolinska University Hospital
Classification: Likely pathogenic for X-linked agammaglobulinemia. Last evaluated: 2025-06-04. Review status: criteria provided, single submitter. Criteria: ACMG Guidelines, 2015. Collection method: clinical testing. Allele origin: germline. Inheritance: X-linked recessive inheritance. Affected: yes.
Comment: PM2, PM5, PP3, PP4.